The following is an entry in ClinVar:

ClinVar aggregate classification (germline): Uncertain significance (1 of 4 stars; one submission).

Submission:

CeGaT Center for Human Genetics Tuebingen
Classification: Uncertain significance. Last evaluated: 2026-04-01. Review status: criteria provided, single submitter. Criteria: CeGaT Center For Human Genetics Tuebingen Variant Classification Criteria Version 2. Collection method: clinical testing. Allele origin: germline. Affected: yes. Observed: 1 variant allele.
Comment: SMARCA5: PM2, PP2, PP3

NM_003601.4(SMARCA5):c.1276C>T (p.Arg426Trp)

Gene: SMARCA5 (SNF2 related chromatin remodeling ATPase 5; plus strand). Cytogenetic location: 4q31.21.
Variant type: single nucleotide variant.
Coding change: c.1276C>T on transcript NM_003601.4 (MANE Select); coding-DNA position 1276, C replaced by T.
Protein change: p.Arg426Trp; replaces arginine 426 with tryptophan.
Molecular consequence: missense variant.
Genome position (GRCh38, 1-based): chr4:143,536,459, C>T. VCF-style: chr4-143536459-C-T. GRCh37 (hg19) VCF-style: chr4-144457612-C-T.
Other names: short protein forms R426W.
Identifiers: ClinVar variation 4874497 (VCV004874497.2).